The following is an entry in ClinVar:

ClinVar aggregate classification (germline): Benign/Likely benign. Review status: criteria provided, multiple submitters, no conflicts (2 of 4 stars). 3 submissions from 3 submitters: Benign (2); Likely benign (1). Last evaluated 2025-04-08.

Conditions:
Inborn genetic diseases. Identifiers: MedGen C0950123, MeSH D030342.
Erythrocytosis, familial, 4 (ECYT4). Identifiers: Orphanet 247511, MedGen C2673187, MONDO:0012729, OMIM 611783.

Allele frequency attached by ClinVar (database versions not stated): gnomAD exomes 0.00013 and 0.00010; 1000 Genomes Project 30x 0.00031; gnomAD 0.00003 and 0.00008; ExAC 0.00017; 1000 Genomes Project 0.00040; TOPMed 0.00004.
gnomAD v4.1: 151 of 1,611,988 alleles (0.0094%); highest among the groups gnomAD compares: South Asian, 0.11%; 2 homozygotes.

Submissions (3):

Labcorp Genetics (formerly Invitae), Labcorp
Classification: Benign. Last evaluated: 2025-04-08. Review status: criteria provided, single submitter. Criteria: Invitae Variant Classification Sherloc (09022015). Collection method: clinical testing. Allele origin: germline.

Ambry Genetics
Classification: Likely benign for Inborn genetic diseases. Last evaluated: 2022-04-08. Review status: criteria provided, single submitter. Criteria: Ambry Variant Classification Scheme 2023. Collection method: clinical testing. Allele origin: germline.

Illumina Laboratory Services, Illumina
Classification: Benign for Erythrocytosis, familial, 4. Last evaluated: 2018-01-12. Review status: criteria provided, single submitter. Criteria: ICSL Variant Classification Criteria 13 December 2019. Collection method: clinical testing. Allele origin: germline.
Comment: This variant was observed in the ICSL laboratory as part of a predisposition screen in an ostensibly healthy population. It had not been previously curated by ICSL or reported in the Human Gene Mutation Database (HGMD: prior to June 1st, 2018), and was therefore a candidate for classification through an automated scoring system. Utilizing variant allele frequency, disease prevalence and penetrance estimates, and inheritance mode, an automated score was calculated to assess if this variant is too frequent to cause the disease. Based on the score and internal cut-off values, a variant classified as benign is not then subjected to further curation. The score for this variant resulted in a classification of benign for this disease.

NM_001430.5(EPAS1):c.858C>T (p.Ser286=)

Gene: EPAS1 (endothelial PAS domain protein 1; plus strand). Cytogenetic location: 2p21.
Variant type: single nucleotide variant.
Coding change: c.858C>T on transcript NM_001430.5 (MANE Select); coding-DNA position 858, C replaced by T.
Protein change: p.Ser286=; no amino-acid change (serine 286 retained).
Molecular consequence: synonymous variant.
Genome position (GRCh38, 1-based): chr2:46,369,905, C>T. VCF-style: chr2-46369905-C-T. GRCh37 (hg19) VCF-style: chr2-46597044-C-T.
Identifiers: ClinVar variation 336253 (VCV000336253.9), dbSNP rs567851666, ClinGen allele CA1644792.